The following is an entry in ClinVar:

NM_004168.4(SDHA):c.608C>T (p.Thr203Ile)

Gene: SDHA (succinate dehydrogenase complex flavoprotein subunit A; plus strand). Cytogenetic location: 5p15.33.
Variant type: single nucleotide variant.
Coding change: c.608C>T on transcript NM_004168.4 (MANE Select); coding-DNA position 608, C replaced by T.
Protein change: p.Thr203Ile; replaces threonine 203 with isoleucine.
Molecular consequence: missense variant.
Genome position (GRCh38, 1-based): chr5:226,034, C>T. VCF-style: chr5-226034-C-T. GRCh37 (hg19) VCF-style: chr5-226149-C-T.
Other names: c.464C>T, p.Thr155Ile (NM_001294332.2); c.608C>T, p.Thr203Ile (NM_001330758.2); c.608C>T (NM_004168.2); short protein forms T155I, T203I.
Identifiers: ClinVar variation 947167 (VCV000947167.12), dbSNP rs1735001122, ClinGen allele CA359010639.

ClinVar aggregate classification (germline): Uncertain significance. Review status: criteria provided, multiple submitters, no conflicts (2 of 4 stars). 3 submissions from 3 submitters: Uncertain significance (3). Last evaluated 2024-08-28.

Conditions:
Hereditary cancer-predisposing syndrome. Also called: Hereditary Cancer Syndrome; Neoplastic Syndromes, Hereditary; Tumor predisposition; Hereditary neoplastic syndrome. Identifiers: Orphanet 140162, MedGen C0027672, MeSH D009386, MONDO:0015356.
Dilated cardiomyopathy 1GG (CMD1GG). Identifiers: Orphanet 154, MedGen C3150898, MONDO:0013339, OMIM 613642.
Mitochondrial complex II deficiency, nuclear type 1. Also called: SUCCINATE CoQ REDUCTASE DEFICIENCY. Identifiers: Orphanet 3208, MedGen C5700310, MONDO:0100294, OMIM 252011.
Pheochromocytoma/paraganglioma syndrome 5. Also called: Paragangliomas 5; SDHA-Related Hereditary Paraganglioma-Pheochromocytoma Syndrome. Identifiers: Orphanet 29072, MedGen C3279992, MONDO:0013602, OMIM 614165.

Submissions (3):

Labcorp Genetics (formerly Invitae), Labcorp
Classification: Uncertain significance for Pheochromocytoma/paraganglioma syndrome 5; Mitochondrial complex II deficiency, nuclear type 1. Last evaluated: 2024-08-28. Review status: criteria provided, single submitter. Criteria: Invitae Variant Classification Sherloc (09022015). Collection method: clinical testing. Allele origin: germline.
Comment: This sequence change replaces threonine, which is neutral and polar, with isoleucine, which is neutral and non-polar, at codon 203 of the SDHA protein (p.Thr203Ile). This variant is not present in population databases (gnomAD no frequency). This variant has not been reported in the literature in individuals affected with SDHA-related conditions. ClinVar contains an entry for this variant (Variation ID: 947167). Invitae Evidence Modeling of protein sequence and biophysical properties (such as structural, functional, and spatial information, amino acid conservation, physicochemical variation, residue mobility, and thermodynamic stability) has been performed for this missense variant. However, the output from this modeling did not meet the statistical confidence thresholds required to predict the impact of this variant on SDHA protein function. In summary, the available evidence is currently insufficient to determine the role of this variant in disease. Therefore, it has been classified as a Variant of Uncertain Significance.

Ambry Genetics
Classification: Uncertain significance for Hereditary cancer-predisposing syndrome. Last evaluated: 2024-04-01. Review status: criteria provided, single submitter. Criteria: Ambry Variant Classification Scheme 2023. Collection method: clinical testing. Allele origin: germline.
Comment: The p.T203I variant (also known as c.608C>T), located in coding exon 5 of the SDHA gene, results from a C to T substitution at nucleotide position 608. The threonine at codon 203 is replaced by isoleucine, an amino acid with similar properties. This amino acid position is conserved. In addition, this alteration is predicted to be deleterious by in silico analysis. Based on the available evidence, the clinical significance of this alteration remains unclear.

Baylor Genetics
Classification: Uncertain significance for Dilated cardiomyopathy 1GG. Last evaluated: 2023-10-03. Review status: criteria provided, single submitter. Criteria: ACMG Guidelines, 2015. Collection method: clinical testing. Allele origin: unknown.